The following is an entry in ClinVar:

NM_000548.5(TSC2):c.2220+25G>C

Gene: TSC2 (TSC complex subunit 2; plus strand). Cytogenetic location: 16p13.3.
Variant type: single nucleotide variant.
Coding change: c.2220+25G>C on transcript NM_000548.5 (MANE Select); 25 bases into the intron after coding-DNA position 2220, G replaced by C.
Molecular consequence: intron variant.
Genome position (GRCh38, 1-based): chr16:2,072,388, G>C. VCF-style: chr16-2072388-G-C. GRCh37 (hg19) VCF-style: chr16-2122389-G-C.
Other names: c.2220+25G>C (NM_001114382.3, NM_021055.3, NM_001370405.1 and 3 more transcripts); c.2109+25G>C (NM_001318827.2); c.1620+25G>C (NM_001318831.2); c.2073+25G>C (NM_001318829.2); c.2253+25G>C (NM_001318832.2).
Identifiers: ClinVar variation 65282 (VCV000065282.2), dbSNP rs149860839, ClinGen allele CA016953.

ClinVar aggregate classification (germline): Likely benign. Review status: criteria provided, single submitter (1 of 4 stars). 2 submissions from 2 submitters: Likely benign (1). 1 of the submissions does not count toward it. Last evaluated 2018-06-14.

Conditions:
Tuberous sclerosis syndrome (TSC). Also called: Tuberous Sclerosis Complex; Tuberous sclerosis. Identifiers: Orphanet 805, MedGen C0041341, MONDO:0001734.

Allele frequency attached by ClinVar (database versions not stated): gnomAD exomes 0.00047 and 0.00122; ExAC 0.00152; gnomAD 0.00414; ESP Exome Variant Server 0.00477; TOPMed 0.00501; 1000 Genomes Project 0.00579; 1000 Genomes Project 30x 0.00593.
gnomAD v4.1: 1,388 of 1,613,254 alleles (0.086%); highest among the groups gnomAD compares: African/African-American, 1.7%; 15 homozygotes.

Submissions (2):

GeneDx
Classification: Likely benign. Last evaluated: 2018-06-14. Review status: criteria provided, single submitter. Criteria: GeneDx Variant Classification (06012015). Collection method: clinical testing. Allele origin: germline. Affected: yes.
Comment: This variant is considered likely benign or benign based on one or more of the following criteria: it is a conservative change, it occurs at a poorly conserved position in the protein, it is predicted to be benign by multiple in silico algorithms, and/or has population frequency not consistent with disease.

Tuberous sclerosis database (TSC2)
No classification provided. Condition: TSC. Review status: no classification provided. Criteria: Tuberous Sclerosis Database Assertion Criteria 2015. Collection method: curation. Allele origin: germline. Affected: yes. Not counted in ClinVar's aggregate classification.